The following is an entry in ClinVar:

NM_001009944.3(PKD1):c.3035C>T (p.Thr1012Ile)

Gene: PKD1 (polycystin 1, transient receptor potential channel interacting; minus strand). Cytogenetic location: 16p13.3.
Variant type: single nucleotide variant.
Coding change: c.3035C>T on transcript NM_001009944.3 (MANE Select); coding-DNA position 3035, C replaced by T.
Protein change: p.Thr1012Ile; replaces threonine 1012 with isoleucine.
Molecular consequence: missense variant.
Genome position (GRCh38, 1-based): chr16:2,112,914, G>A on the plus strand (C>T on the coding strand, the complement: PKD1 is on the minus strand). VCF-style: chr16-2112914-G-A. GRCh37 (hg19) VCF-style: chr16-2162915-G-A.
Other names: c.3035C>T, p.Thr1012Ile (NM_000296.4); c.3035C>T (NM_000296.3); short protein forms T1012I.
Identifiers: ClinVar variation 3371295 (VCV003371295.2).

ClinVar aggregate classification (germline): Uncertain significance. Review status: criteria provided, multiple submitters, no conflicts (2 of 4 stars). 2 submissions from 2 submitters: Uncertain significance (2). Last evaluated 2025-04-24.

Conditions:
Inborn genetic diseases. Identifiers: MedGen C0950123, MeSH D030342.

gnomAD v4.1: 14 of 1,605,952 alleles (0.00087%); highest among the groups gnomAD compares: Non-Finnish European, 0.0012%; no homozygotes.

Submissions (2):

Ambry Genetics
Classification: Uncertain significance for Inborn genetic diseases. Last evaluated: 2025-04-24. Review status: criteria provided, single submitter. Criteria: Ambry Variant Classification Scheme 2023. Collection method: clinical testing. Allele origin: germline.

GeneDx
Classification: Uncertain significance. Last evaluated: 2024-03-27. Review status: criteria provided, single submitter. Criteria: GeneDx Variant Classification Process June 2021. Collection method: clinical testing. Allele origin: germline. Affected: yes.
Comment: Not observed at significant frequency in large population cohorts (gnomAD); In silico analysis supports that this missense variant has a deleterious effect on protein structure/function; Has not been previously published as pathogenic or benign to our knowledge